The following is an entry in ClinVar:

NM_000077.5(CDKN2A):c.13G>A (p.Ala5Thr)

Genes: CDKN2A (cyclin dependent kinase inhibitor 2A; minus strand), LOC130001603 (ATAC-STARR-seq lymphoblastoid silent region 19811; plus strand). Cytogenetic location: 9p21.3.
Variant type: single nucleotide variant.
Coding change: c.13G>A on transcript NM_000077.5; coding-DNA position 13, G replaced by A.
Protein change: p.Ala5Thr; replaces alanine 5 with threonine.
Molecular consequence: missense variant (on NM_000077.6). On other transcripts: intron variant (2).
Genome position (GRCh38, 1-based): chr9:21,974,815, C>T on the plus strand (G>A on the coding strand, the complement: CDKN2A is on the minus strand). VCF-style: chr9-21974815-C-T. GRCh37 (hg19) VCF-style: chr9-21974814-C-T.
Other names: c.13G>A, p.Ala5Thr (NM_000077.6, NM_001195132.2, NM_058197.5); c.-3-3607G>A (NM_001363763.2); c.194-3607G>A (NM_058195.4); short protein forms A5T.
Identifiers: ClinVar variation 233536 (VCV000233536.24), dbSNP rs771582621, ClinGen allele CA5012340.

ClinVar aggregate classification (germline): Uncertain significance. Review status: criteria provided, multiple submitters, no conflicts (2 of 4 stars). 6 submissions from 6 submitters: Uncertain significance (6). Last evaluated 2025-12-09.

Conditions:
Familial melanoma. Also called: Hereditary melanoma; Hereditary cutaneous melanoma. Identifiers: Orphanet 618, MedGen C1512419, MONDO:0018961.
Hereditary cancer-predisposing syndrome. Also called: Neoplastic Syndromes, Hereditary; Hereditary Cancer Syndrome; Tumor predisposition; Hereditary neoplastic syndrome. Identifiers: Orphanet 140162, MedGen C0027672, MeSH D009386, MONDO:0015356.
Melanoma-pancreatic cancer syndrome. Identifiers: Orphanet 404560, MedGen C1838547, MONDO:0011713, OMIM 606719. Disease mechanism: loss of function.

Allele frequency attached by ClinVar (database versions not stated): ExAC below 0.00001; gnomAD exomes below 0.00001.
gnomAD v4.1: 6 of 1,600,602 alleles (0.00037%); highest among the groups gnomAD compares: Non-Finnish European, 0.00051%; no homozygotes.

Submissions (6):

Color Diagnostics, LLC DBA Color Health
Classification: Uncertain significance for Hereditary cancer-predisposing syndrome. Last evaluated: 2025-12-09. Review status: criteria provided, single submitter. Criteria: ACMG Guidelines, 2015. Collection method: clinical testing. Allele origin: germline.
Comment: This missense variant replaces alanine with threonine at codon 5 of the CDKN2A (p16INK4A) protein. Computational prediction suggests that this variant may not impact protein structure and function. To our knowledge, functional studies have not been reported for this variant. This variant has been reported in individuals affected with melanoma cases or from melanoma prone families (PMID: 14735200, 21462282, 28830827, 32989607, 37611275), This variant has been identified in 6/1600602 chromosomes in the general population by the Genome Aggregation Database (gnomAD). The available evidence is insufficient to determine the role of this variant in disease conclusively. Therefore, this variant is classified as a Variant of Uncertain Significance.

Ambry Genetics
Classification: Uncertain significance for Hereditary cancer-predisposing syndrome. Last evaluated: 2025-06-30. Review status: criteria provided, single submitter. Criteria: Ambry Variant Classification Scheme 2023. Collection method: clinical testing. Allele origin: germline.
Comment: The p.A5T variant (also known as c.13G>A), located in coding exon 1 of the CDKN2A gene, results from a G to A substitution at nucleotide position 13. The alanine at codon 5 is replaced by threonine, an amino acid with similar properties. This variant has been identified in individuals diagnosed with melanoma (Soufir N et al. Br. J. Cancer 2004 Jan; 90(2):503-9; Potrony M et al. J Am Acad Dermatol, 2014 Nov;71:888-95; Puig S et al. Genet. Med. 2016 Jul;18(7):727-36; Taylor NJ et al. J Invest Dermatol, 2017 12;137:2606-2612). This amino acid position is conserved on limited sequence alignment. In addition, this alteration is predicted to be tolerated by in silico analysis. Based on the available evidence, the clinical significance of this variant remains unclear.

Labcorp Genetics (formerly Invitae), Labcorp
Classification: Uncertain significance for Familial melanoma. Last evaluated: 2025-06-11. Review status: criteria provided, single submitter. Criteria: Invitae Variant Classification Sherloc (09022015). Collection method: clinical testing. Allele origin: germline.
Comment: This sequence change replaces alanine, which is neutral and non-polar, with threonine, which is neutral and polar, at codon 5 of the CDKN2A (p16INK4a) protein (p.Ala5Thr). This variant is not present in population databases (gnomAD no frequency). This missense change has been observed in individual(s) with melanoma (PMID: 14735200, 26681309, 28830827, 37611275). ClinVar contains an entry for this variant (Variation ID: 233536). An algorithm developed to predict the effect of missense changes on protein structure and function (PolyPhen-2) suggests that this variant is likely to be tolerated. In summary, the available evidence is currently insufficient to determine the role of this variant in disease. Therefore, it has been classified as a Variant of Uncertain Significance.

Department of Pathology and Laboratory Medicine, Sinai Health System
Classification: Uncertain significance for melanoma-pancreatic cancer syndrome. Last evaluated: 2023-10-02. Review status: criteria provided, single submitter. Criteria: ACMG Guidelines, 2015. Collection method: clinical testing. Allele origin: germline. Affected: yes.

GeneDx
Classification: Uncertain significance. Last evaluated: 2023-08-14. Review status: criteria provided, single submitter. Criteria: GeneDx Variant Classification Process June 2021. Collection method: clinical testing. Allele origin: germline. Affected: yes.
Comment: Not observed at significant frequency in large population cohorts (gnomAD); In silico analysis supports that this missense variant does not alter protein structure/function; Observed in individuals with a personal or family history of melanoma (Soufir et al., 2004; Miller et al., 2011; Puig et al., 2016); This variant is associated with the following publications: (PMID: 21085193, 25064638, 14735200, 21462282, 28830827, 26681309)

Sema4
Classification: Uncertain significance for Hereditary cancer-predisposing syndrome. Last evaluated: 2021-09-25. Review status: criteria provided, single submitter. Criteria: Sema4 Curation Guidelines. Collection method: curation. Allele origin: germline.
Comment: The CDKN2A c.13G>A (p.A5T) variant has been reported in heterozygosity in at least three individuals with melanoma (PMID: 14735200, 28830827, 26681309). This variant is not reported in the population database Genome Aggregation Database (PMID: 32461654), but has been reported in ClinVar (Variation ID: 233536). Functional studies have not been performed, and in silico predictions of the variant's effect on protein function are inconclusive. The overall evidence is insufficient for a classification of benign or pathogenic based on ACMG/AMP requirements. In summary, the clinical significance of this variant is currently uncertain.

Literature cited by the submitters: PubMed 14735200 (cited by 5 submitters); PubMed 21462282 (cited by Color Diagnostics, LLC DBA Color Health and Department of Pathology and Laboratory Medicine, Sinai Health System); PubMed 28830827 (cited by 5 submitters); PubMed 32989607 (cited by Color Diagnostics, LLC DBA Color Health); PubMed 37611275 (cited by 3 submitters); PubMed 25064638 (cited by Ambry Genetics); PubMed 26681309 (cited by 3 submitters).